The following is an entry in ClinVar:

ClinVar aggregate classification (germline): Benign. Review status: criteria provided, single submitter (1 of 4 stars). 2 submissions from 2 submitters: Benign (1). 1 of the submissions does not count toward it. Last evaluated 2025-01-01.

Conditions:
TRPA1-related disorder. Also called: TRPA1-related condition.

Allele frequency attached by ClinVar (database versions not stated): gnomAD exomes 0.00010; ExAC 0.00038; 1000 Genomes Project 30x 0.00094; 1000 Genomes Project 0.00100; ESP Exome Variant Server 0.00161.
gnomAD v4.1: 306 of 1,614,014 alleles (0.019%); highest among the groups gnomAD compares: African/African-American, 0.31%; 1 homozygote.

Submissions (2):

CeGaT Center for Human Genetics Tuebingen
Classification: Benign. Last evaluated: 2025-01-01. Review status: criteria provided, single submitter. Criteria: CeGaT Center For Human Genetics Tuebingen Variant Classification Criteria Version 2. Collection method: clinical testing. Allele origin: germline. Affected: yes. Observed: 2 variant alleles.
Comment: TRPA1: BS1, BS2

PreventionGenetics, part of Exact Sciences
Classification: Likely benign for TRPA1-related condition. Last evaluated: 2021-01-09. Review status: no assertion criteria provided. Collection method: clinical testing. Allele origin: germline. Not counted in ClinVar's aggregate classification.
Comment: This variant is classified as likely benign based on ACMG/AMP sequence variant interpretation guidelines (Richards et al. 2015 PMID: 25741868, with internal and published modifications).

NM_007332.3(TRPA1):c.2986C>T (p.Arg996Cys)

Genes: MSC-AS1 (MSC antisense RNA 1; plus strand), TRPA1 (transient receptor potential cation channel subfamily A member 1; minus strand). Cytogenetic location: 8q21.11.
Variant type: single nucleotide variant.
Coding change: c.2986C>T on transcript NM_007332.3 (MANE Select); coding-DNA position 2986, C replaced by T.
Protein change: p.Arg996Cys; replaces arginine 996 with cysteine.
Molecular consequence: missense variant.
Genome position (GRCh38, 1-based): chr8:72,026,025, G>A on the plus strand (C>T on the coding strand, the complement: TRPA1 is on the minus strand). VCF-style: chr8-72026025-G-A. GRCh37 (hg19) VCF-style: chr8-72938260-G-A.
Other names: c.2986C>T (NM_007332.2); short protein forms R996C.
Identifiers: ClinVar variation 1711678 (VCV001711678.31), dbSNP rs61758121, ClinGen allele CA4780359.
Genomic context (GRCh38, chr8:72,026,025, plus strand): 5'-ACATCCCACCAGATCTGGGTTTGTTGGGATACACGATGGTGGATTTCTGATCCACTTTGC[G>A]TAGAAACCAAAGTGGCAGCTTCTTCTCTAAGCTGGTATGAAGTTCCACCTAAAGTGCATT-3'
Protein context (NP_015628.2, residues 986-1006): LEKKLPLWFL[Arg996Cys]KVDQKSTIVY